The following is an entry in ClinVar:

ClinVar aggregate classification (germline): Likely benign (0 of 4 stars; one submission).

Conditions:
SPATA13-related disorder. Also called: SPATA13-related condition.

Allele frequency attached by ClinVar (database versions not stated): 1000 Genomes Project 30x 0.00078; 1000 Genomes Project 0.00080; TOPMed 0.00158; ExAC 0.00160; gnomAD 0.00160.
gnomAD v4.1: 3,773 of 1,551,048 alleles (0.24%); highest among the groups gnomAD compares: Non-Finnish European, 0.3%; 6 homozygotes.

Submission:

PreventionGenetics, part of Exact Sciences
Classification: Likely benign for SPATA13-related condition. Last evaluated: 2022-10-10. Review status: no assertion criteria provided. Collection method: clinical testing. Allele origin: germline.
Comment: This variant is classified as likely benign based on ACMG/AMP sequence variant interpretation guidelines (Richards et al. 2015 PMID: 25741868, with internal and published modifications).

NM_001166271.3(SPATA13):c.497C>T (p.Pro166Leu)

Gene: SPATA13 (spermatogenesis associated 13; plus strand). Cytogenetic location: 13q12.12.
Variant type: single nucleotide variant.
Coding change: c.497C>T on transcript NM_001166271.3 (MANE Select); coding-DNA position 497, C replaced by T.
Protein change: p.Pro166Leu; replaces proline 166 with leucine.
Molecular consequence: missense variant. On other transcripts: intron variant (1).
Genome position (GRCh38, 1-based): chr13:24,223,426, C>T. VCF-style: chr13-24223426-C-T. GRCh37 (hg19) VCF-style: chr13-24797564-C-T.
Other names: c.683C>T, p.Pro228Leu (NM_001286792.2); c.-222-26051C>T (NM_153023.4); short protein forms P166L, P228L.
Identifiers: ClinVar variation 3042921 (VCV003042921.2), dbSNP rs150850951, ClinGen allele CA6913855.